The following is an entry in ClinVar:

NM_019109.5(ALG1):c.1293G>A (p.Ala431=)

Genes: ALG1 (ALG1 chitobiosyldiphosphodolichol beta-mannosyltransferase; plus strand), EEF2KMT (eukaryotic elongation factor 2 lysine methyltransferase; minus strand). Cytogenetic location: 16p13.3.
Variant type: single nucleotide variant.
Coding change: c.1293G>A on transcript NM_019109.5 (MANE Select); coding-DNA position 1293, G replaced by A.
Protein change: p.Ala431=; no amino-acid change (alanine 431 retained).
Molecular consequence: synonymous variant. On other transcripts: 3 prime UTR variant (3).
Genome position (GRCh38, 1-based): chr16:5,084,779, G>A. VCF-style: chr16-5084779-G-A. GRCh37 (hg19) VCF-style: chr16-5134780-G-A.
Other names: p.Ala431=; c.*853C>T (NM_001289029.2, NM_201400.4, NM_201598.4); c.960G>A, p.Ala320= (NM_001330504.2).
Identifiers: ClinVar variation 1408496 (VCV001408496.8), dbSNP rs1047714, ClinGen allele CA7890330.

ClinVar aggregate classification (germline): Uncertain significance. Review status: criteria provided, multiple submitters, no conflicts (2 of 4 stars). 3 submissions from 3 submitters: Uncertain significance (3). Last evaluated 2025-12-11.

Conditions:
ALG1-congenital disorder of glycosylation. Also called: ALG1-CDG; CONGENITAL DISORDER OF GLYCOSYLATION, TYPE Ik; CDG Ik. Identifiers: Orphanet 79327, MedGen C2931005, MONDO:0012052, OMIM 608540.

Allele frequency attached by ClinVar (database versions not stated): gnomAD 0.00001; gnomAD exomes 0.00001 and 0.00003; TOPMed 0.00001; ExAC 0.00003.
gnomAD v4.1: 38 of 1,595,280 alleles (0.0024%); highest among the groups gnomAD compares: Non-Finnish European, 0.003%; no homozygotes.

Submissions (3):

Labcorp Genetics (formerly Invitae), Labcorp
Classification: Uncertain significance for ALG1-congenital disorder of glycosylation. Last evaluated: 2025-12-11. Review status: criteria provided, single submitter. Criteria: Invitae Variant Classification Sherloc (09022015). Collection method: clinical testing. Allele origin: germline.
Comment: This sequence change affects codon 431 of the ALG1 mRNA. It is a 'silent' change, meaning that it does not change the encoded amino acid sequence of the ALG1 protein. The frequency data for this variant in the population databases is considered unreliable, as metrics indicate poor data quality at this position in the gnomAD database. This variant has not been reported in the literature in individuals affected with ALG1-related conditions. ClinVar contains an entry for this variant (Variation ID: 1408496). Algorithms developed to predict the effect of sequence changes on RNA splicing suggest that this variant may create or strengthen a splice site. In summary, the available evidence is currently insufficient to determine the role of this variant in disease. Therefore, it has been classified as a Variant of Uncertain Significance.

Mayo Clinic Laboratories, Mayo Clinic
Classification: Uncertain significance. Last evaluated: 2025-05-13. Review status: criteria provided, single submitter. Criteria: ACMG Guidelines, 2015. Collection method: clinical testing. Allele origin: germline. Observed: 3 variant alleles.
Comment: PM2_supporting

Fulgent Genetics
Classification: Uncertain significance for ALG1-congenital disorder of glycosylation. Last evaluated: 2022-04-18. Review status: criteria provided, single submitter. Criteria: ACMG Guidelines, 2015. Collection method: clinical testing. Allele origin: unknown.